The following is an entry in ClinVar:

ClinVar aggregate classification (germline): Uncertain significance (1 of 4 stars; one submission).

Allele frequency attached by ClinVar (database versions not stated): gnomAD exomes below 0.00001; gnomAD 0.00001; TOPMed 0.00001.
gnomAD v4.1: 2 of 1,601,366 alleles (0.00012%); highest among the groups gnomAD compares: African/African-American, 0.0027%; no homozygotes.

Submission:

Labcorp Genetics (formerly Invitae), Labcorp
Classification: Uncertain significance. Last evaluated: 2021-12-24. Review status: criteria provided, single submitter. Criteria: Invitae Variant Classification Sherloc (09022015). Collection method: clinical testing. Allele origin: germline.
Comment: In summary, the available evidence is currently insufficient to determine the role of this variant in disease. Therefore, it has been classified as a Variant of Uncertain Significance. Algorithms developed to predict the effect of missense changes on protein structure and function are either unavailable or do not agree on the potential impact of this missense change (SIFT: "Not Available"; PolyPhen-2: "Probably Damaging"; Align-GVGD: "Not Available"). This variant has not been reported in the literature in individuals affected with MYO18B-related conditions. This variant is present in population databases (no rsID available, gnomAD 0.01%). This sequence change replaces valine, which is neutral and non-polar, with alanine, which is neutral and non-polar, at codon 1311 of the MYO18B protein (p.Val1311Ala).

NM_032608.7(MYO18B):c.3932T>C (p.Val1311Ala)

Gene: MYO18B (myosin XVIIIB; plus strand). Cytogenetic location: 22q12.1.
Variant type: single nucleotide variant.
Coding change: c.3932T>C on transcript NM_032608.7 (MANE Select); coding-DNA position 3932, T replaced by C.
Protein change: p.Val1311Ala; replaces valine 1311 with alanine.
Molecular consequence: missense variant.
Genome position (GRCh38, 1-based): chr22:25,868,366, T>C. VCF-style: chr22-25868366-T-C. GRCh37 (hg19) VCF-style: chr22-26264333-T-C.
Other names: c.3935T>C, p.Val1312Ala (NM_001318245.2); short protein forms V1312A, V1311A.
Identifiers: ClinVar variation 1942422 (VCV001942422.5), dbSNP rs1284905601, ClinGen allele CA411006551.